The following is an entry in ClinVar:

NM_004006.3(DMD):c.7543-17del

Gene: DMD (dystrophin; minus strand). Cytogenetic location: Xp21.1.
Variant type: Deletion.
Coding change: c.7543-17del on transcript NM_004006.3 (MANE Select); 17 bases into the intron before coding-DNA position 7543, one base deleted (G; older notation c.7543-17delG).
Molecular consequence: intron variant.
Genome position (GRCh38, 1-based): chrX:31,729,765, C deleted on the plus strand (G on the coding strand, the reverse complement: DMD is on the minus strand); the first of 3 consecutive C bases (chrX:31,729,765-31,729,767); deleting any one gives the same sequence. VCF-style (leftmost placement, unchanged base first): chrX-31729764-TC-T. GRCh37 (hg19) VCF-style: chrX-31747881-TC-T.
Other names: c.7519-17del (NM_000109.4); c.3520-17del (NM_004011.4); c.3511-17del (NM_004012.4); c.163-17del (NM_004023.3, NM_004020.4, NM_004022.3 and 2 more transcripts); c.7531-17del (NM_004009.3); c.7174-17del (NM_004010.3); c.7543-17delG (NM_004006.3, NM_004006.2).
Identifiers: ClinVar variation 421449 (VCV000421449.13), dbSNP rs754422509, ClinGen allele CA10378254.

ClinVar aggregate classification (germline): Benign/Likely benign. Review status: criteria provided, multiple submitters, no conflicts (2 of 4 stars). 4 submissions from 4 submitters: Benign (2); Likely benign (1). 1 of the submissions does not count toward it. Last evaluated 2026-02-24.

Conditions:
Becker muscular dystrophy (BMD). Also called: MUSCULAR DYSTROPHY, PSEUDOHYPERTROPHIC PROGRESSIVE, BECKER TYPE; Becker Muscular Dystrophy (BMD). Identifiers: Orphanet 98895, MedGen C0917713, MONDO:0010311, OMIM 300376.
Cardiomyopathy (CMYO). Also called: Cardiomyopathies. Identifiers: Orphanet 167848, MedGen C0878544, MONDO:0004994, HP:0001638. Inheritance: Various modes of inheritance.
Duchenne muscular dystrophy (DMD). Also called: MUSCULAR DYSTROPHY, PSEUDOHYPERTROPHIC PROGRESSIVE, DUCHENNE TYPE; Duchenne Muscular Dystrophy (DMD). Identifiers: Orphanet 98896, MedGen C0013264, MONDO:0010679, OMIM 310200.
Dystrophin deficiency.

Submissions (4):

Women's Health and Genetics/Laboratory Corporation of America, LabCorp
Classification: Benign. Last evaluated: 2026-02-24. Review status: criteria provided, single submitter. Criteria: LabCorp Variant Classification Summary - May 2015. Collection method: clinical testing. Allele origin: germline.
Comment: Variant summary: DMD c.7543-17delG alters a nucleotide located at a position not widely known to affect splicing. Consensus agreement among computation tools predict no significant impact on normal splicing. However, these predictions have yet to be confirmed by functional studies. The variant allele was found at a frequency of 5.5e-05 in 183470 control chromosomes, predominantly at a frequency of 0.00076 within the African or African-American subpopulation in the gnomAD database. The observed variant frequency within African or African-American control individuals in the gnomAD database exceeds the estimated maximal expected allele frequency for disease-causing variants in DMD. To our knowledge, no occurrence of c.7543-17delG in individuals affected with DMD-related conditions and no experimental evidence demonstrating its impact on protein function have been reported. ClinVar contains an entry for this variant (Variation ID: 421449). Based on the evidence outlined above, the variant was classified as benign.

Labcorp Genetics (formerly Invitae), Labcorp
Classification: Benign for Duchenne muscular dystrophy. Last evaluated: 2025-12-30. Review status: criteria provided, single submitter. Criteria: Invitae Variant Classification Sherloc (09022015). Collection method: clinical testing. Allele origin: germline.

GeneDx
Classification: Likely benign. Last evaluated: 2016-07-07. Review status: criteria provided, single submitter. Criteria: GeneDx Variant Classification (06012015). Collection method: clinical testing. Allele origin: germline. Affected: yes.
Comment: This variant is considered likely benign or benign based on one or more of the following criteria: it is a conservative change, it occurs at a poorly conserved position in the protein, it is predicted to be benign by multiple in silico algorithms, and/or has population frequency not consistent with disease.

Natera, Inc.
Classification: Likely benign for Becker muscular dystrophy; Cardiomyopathy; Duchenne muscular dystrophy; Dystrophin deficiency. Last evaluated: 2019-07-10. Review status: no assertion criteria provided. Collection method: clinical testing. Allele origin: germline. Not counted in ClinVar's aggregate classification.